The following is an entry in ClinVar:

NM_001042681.2(RERE):c.2650C>T (p.Pro884Ser)

Gene: RERE (arginine-glutamic acid dipeptide repeats; minus strand). Cytogenetic location: 1p36.23.
Variant type: single nucleotide variant.
Coding change: c.2650C>T on transcript NM_001042681.2 (MANE Select); coding-DNA position 2650, C replaced by T.
Protein change: p.Pro884Ser; replaces proline 884 with serine.
Molecular consequence: missense variant.
Genome position (GRCh38, 1-based): chr1:8,360,857, G>A on the plus strand (C>T on the coding strand, the complement: RERE is on the minus strand). VCF-style: chr1-8360857-G-A. GRCh37 (hg19) VCF-style: chr1-8420917-G-A.
Other names: c.988C>T, p.Pro330Ser (NM_001042682.2); c.2650C>T, p.Pro884Ser (NM_012102.4); short protein forms P330S, P884S.
Identifiers: ClinVar variation 1806269 (VCV001806269.1), dbSNP rs142618346, ClinGen allele CA571337.
Genomic context (GRCh38, chr1:8,360,857, plus strand): 5'-GAGAGGCTGGCAGCTGCAGGGAGGTGTGAGGGTACGCTGCTGCTGGGGAGGTCCCCAGAG[G>A]GGCCTGGCCTTGGGAGGCCTGGGGAGGGAGGCCAAAGGGCTGTGGGGGGCCTGGGTGCTG-3'
Protein context (NP_001036146.1, residues 874-894): LPPQASQGQA[Pro884Ser]LGTSPAAAYP

ClinVar aggregate classification (germline): Uncertain significance (1 of 4 stars; one submission).

Conditions:
Neurodevelopmental disorder with or without anomalies of the brain, eye, or heart (NEDBEH). Identifiers: Orphanet 494344, MedGen C5567477, MONDO:0014857, OMIM 616975.

Allele frequency attached by ClinVar (database versions not stated): gnomAD exomes below 0.00001; 1000 Genomes Project 30x 0.00062; gnomAD 0.00002; 1000 Genomes Project 0.00080.

Submission:

Victorian Clinical Genetics Services, Murdoch Childrens Research Institute
Classification: Uncertain significance for Neurodevelopmental disorder with or without anomalies of the brain, eye, or heart. Last evaluated: 2020-05-25. Review status: criteria provided, single submitter. Criteria: ACMG Guidelines, 2015. Collection method: clinical testing. Allele origin: germline. Inheritance: Autosomal dominant inheritance.
Comment: Based on the classification scheme VCGS_Germline_v1.1.1, this variant is classified as VOUS-3C. Following criteria are met: 0102 - Loss-of-function is a known mechanism of disease for this gene. (N) 0104 - Dominant Negative is a mechanism of disease for this gene. (N) 0107 - This gene is known to be associated with autosomal dominant disease. (N) 0200 - Variant is predicted to result in a missense amino acid change from proline to serine (exon 18). (N) 0251 - Variant is heterozygous. (N) 0301 - Variant is absent from gnomAD. (P) 0309 - An alternative amino acid change at the same position has been observed in gnomAD (1 Heterozygote). (N) 0503 - Missense variant consistently predicted to be tolerated or not conserved in mammals with a minor amino acid change. (B) 0504 - Same amino acid change has been observed in mammals. (B) 0600 - Variant is located in an annotated domain or motif (Atrophin-1 family; NCBI). (N) 0705 - No comparable variants have previous evidence for pathogenicity. (N) 0807 - Variant has not previously been reported in a clinical context. (N) 0905 - No segregation evidence has been identified for this variant. (N) 1007 - No published functional evidence has been identified for this variant. (N) 1208 - Inheritance information for this variant is not currently available. (N) Legend: (P) - Pathogenic, (N) - Neutral, (B) - Benign